The following is an entry in ClinVar:

ClinVar aggregate classification (germline): Likely benign (1 of 4 stars; one submission).

gnomAD v4.1: 3 of 1,613,874 alleles (0.00019%); highest among the groups gnomAD compares: East Asian, 0.0022%; no homozygotes.

Submission:

CeGaT Center for Human Genetics Tuebingen
Classification: Likely benign. Last evaluated: 2025-11-01. Review status: criteria provided, single submitter. Criteria: CeGaT Center For Human Genetics Tuebingen Variant Classification Criteria Version 2. Collection method: clinical testing. Allele origin: germline. Affected: yes. Observed: 1 variant allele.
Comment: SYNE2: BP4, BP7

NM_182914.3(SYNE2):c.15969G>C (p.Leu5323=)

Gene: SYNE2 (spectrin repeat containing nuclear envelope protein 2; plus strand). Cytogenetic location: 14q23.2.
Variant type: single nucleotide variant.
Coding change: c.15969G>C on transcript NM_182914.3 (MANE Select); coding-DNA position 15969, G replaced by C.
Protein change: p.Leu5323=; no amino-acid change (leucine 5323 retained).
Molecular consequence: synonymous variant.
Genome position (GRCh38, 1-based): chr14:64,159,317, G>C. VCF-style: chr14-64159317-G-C. GRCh37 (hg19) VCF-style: chr14-64626035-G-C.
Other names: c.15969G>C, p.Leu5323= (NM_015180.6).
Identifiers: ClinVar variation 4534721 (VCV004534721.6).